The following is an entry in ClinVar:

NM_177438.3(DICER1):c.639A>C (p.Lys213Asn)

Gene: DICER1 (dicer 1, ribonuclease III; minus strand). Cytogenetic location: 14q32.13.
Variant type: single nucleotide variant.
Coding change: c.639A>C on transcript NM_177438.3 (MANE Select); coding-DNA position 639, A replaced by C.
Protein change: p.Lys213Asn; replaces lysine 213 with asparagine.
Molecular consequence: missense variant. On other transcripts: 5 prime UTR variant (1), non-coding transcript variant (6).
Genome position (GRCh38, 1-based): chr14:95,129,567, T>G on the plus strand (A>C on the coding strand, the complement: DICER1 is on the minus strand). VCF-style: chr14-95129567-T-G. GRCh37 (hg19) VCF-style: chr14-95595904-T-G.
Other names: c.639A>C, p.Lys213Asn (NM_001195573.1, NM_001271282.3, NM_001291628.2 and 15 more transcripts); c.357A>C, p.Lys119Asn (NM_001395686.1); c.234A>C, p.Lys78Asn (NM_001395687.1, NM_001395688.1, NM_001395689.1 and 3 more transcripts); c.72A>C, p.Lys24Asn (NM_001395691.1); c.-930A>C (NM_001395697.1); short protein forms K78N, K119N, K213N, K24N.
Identifiers: ClinVar variation 2866817 (VCV002866817.4), dbSNP rs370474705, ClinGen allele CA390888172.

ClinVar aggregate classification (germline): Uncertain significance. Review status: criteria provided, multiple submitters, no conflicts (2 of 4 stars). 2 submissions from 2 submitters: Uncertain significance (2). Last evaluated 2024-12-19.

Conditions:
Hereditary cancer-predisposing syndrome. Also called: Hereditary neoplastic syndrome; Hereditary Cancer Syndrome; Neoplastic Syndromes, Hereditary; Tumor predisposition. Identifiers: Orphanet 140162, MedGen C0027672, MeSH D009386, MONDO:0015356.
DICER1-related tumor predisposition. Also called: DICER1-related pleuropulmonary blastoma cancer predisposition syndrome; DICER1 syndrome. Identifiers: Orphanet 284343, MedGen C3839822, MONDO:0100216.

Submissions (2):

Hereditary Cancer Group, L’Institut d'Investigació Biomèdica de Bellvitge
Classification: Uncertain significance for Hereditary cancer-predisposing syndrome. Last evaluated: 2024-12-19. Review status: criteria provided, single submitter. Criteria: Hatton et al. (Hum Mutat. 2023). Collection method: clinical testing. Allele origin: germline. Inheritance: Autosomal dominant inheritance. Affected: yes.
Comment: PM2_supporting, BP4

Labcorp Genetics (formerly Invitae), Labcorp
Classification: Uncertain significance for DICER1-related tumor predisposition. Last evaluated: 2023-05-22. Review status: criteria provided, single submitter. Criteria: Invitae Variant Classification Sherloc (09022015). Collection method: clinical testing. Allele origin: germline.
Comment: In summary, the available evidence is currently insufficient to determine the role of this variant in disease. Therefore, it has been classified as a Variant of Uncertain Significance. Advanced modeling of protein sequence and biophysical properties (such as structural, functional, and spatial information, amino acid conservation, physicochemical variation, residue mobility, and thermodynamic stability) performed at Invitae indicates that this missense variant is not expected to disrupt DICER1 protein function. This variant has not been reported in the literature in individuals affected with DICER1-related conditions. This variant is not present in population databases (gnomAD no frequency). This sequence change replaces lysine, which is basic and polar, with asparagine, which is neutral and polar, at codon 213 of the DICER1 protein (p.Lys213Asn).